The following is an entry in ClinVar:

NM_000169.3(GLA):c.530T>G (p.Leu177Trp)

Genes: GLA (galactosidase alpha; minus strand), RPL36A-HNRNPH2 (RPL36A-HNRNPH2 readthrough; plus strand). Cytogenetic location: Xq22.1.
Variant type: single nucleotide variant.
Coding change: c.530T>G on transcript NM_000169.3 (MANE Select); coding-DNA position 530, T replaced by G.
Protein change: p.Leu177Trp; replaces leucine 177 with tryptophan.
Molecular consequence: missense variant. On other transcripts: non-coding transcript variant (3), intron variant (2).
Genome position (GRCh38, 1-based): chrX:101,401,649, A>C on the plus strand (T>G on the coding strand, the complement: GLA is on the minus strand). VCF-style: chrX-101401649-A-C. GRCh37 (hg19) VCF-style: chrX-100656637-A-C.
Other names: c.653T>G, p.Leu218Trp (NM_001406747.1, NM_001406749.1); c.530T>G, p.Leu177Trp (NM_001406748.1); c.300+6192A>C (NM_001199973.2); c.177+9827A>C (NM_001199974.2); short protein forms L177W, L218W.
Identifiers: ClinVar variation 2131902 (VCV002131902.4), dbSNP rs2520894896, ClinGen allele CA413928664.
Genomic context (GRCh38, chrX:101,401,649, plus strand): 5'-AAGTTCTTTCCTTTGTGGCTAAATCTCTGGAATGAAACATTACCATCTGCCAAATTTTCC[A>C]AACTGTCACAGTAACAACCATCAAATTTTAGCAGATCTACTCCCCAGTCAGCAAAGGTCT-3'
Protein context (NP_000160.1, residues 167-187): LKFDGCYCDS[Leu177Trp]ENLADGYKHM

ClinVar aggregate classification (germline): Uncertain significance (1 of 4 stars; one submission).

Conditions:
Fabry disease. Also called: Fabry's disease; ALPHA-GALACTOSIDASE A DEFICIENCY; ANDERSON-FABRY DISEASE; CERAMIDE TRIHEXOSIDASE DEFICIENCY; GLA DEFICIENCY; Ceramide trihexosidosis. Identifiers: Orphanet 324, MedGen C0002986, MONDO:0010526, OMIM 301500, HP:0001071. Disease mechanism: Fabry disease is due to inactivating mutations in the X-linked GLA gene resulting in deficiency of the enzyme Alpha Galactosidase-A., loss of function.

Submission:

Labcorp Genetics (formerly Invitae), Labcorp
Classification: Uncertain significance for Fabry disease. Last evaluated: 2022-10-13. Review status: criteria provided, single submitter. Criteria: Invitae Variant Classification Sherloc (09022015). Collection method: clinical testing. Allele origin: germline.
Comment: Algorithms developed to predict the effect of missense changes on protein structure and function (SIFT, PolyPhen-2, Align-GVGD) all suggest that this variant is likely to be tolerated. This variant has not been reported in the literature in individuals affected with GLA-related conditions. This variant is not present in population databases (gnomAD no frequency). This sequence change replaces leucine, which is neutral and non-polar, with tryptophan, which is neutral and slightly polar, at codon 177 of the GLA protein (p.Leu177Trp). In summary, the available evidence is currently insufficient to determine the role of this variant in disease. Therefore, it has been classified as a Variant of Uncertain Significance.